The following is an entry in ClinVar:

ClinVar aggregate classification (germline): Conflicting classifications of pathogenicity. Review status: criteria provided, conflicting classifications (1 of 4 stars). 10 submissions from 10 submitters: Uncertain significance (1); Benign (6); Likely benign (1). 2 of the submissions do not count toward it. Last evaluated 2026-02-01.

Conditions:
Retinitis pigmentosa (RP). Identifiers: Orphanet 791, MedGen C0035334, MeSH D012174, MONDO:0019200, OMIM 268000. Inheritance: Autosomal dominant, autosomal recessive and X linked inheritance.
Retinitis pigmentosa 25 (RP25). Identifiers: Orphanet 791, MedGen C1864446, MONDO:0011272, OMIM 602772.

Allele frequency attached by ClinVar (database versions not stated): gnomAD exomes 0.00047 and 0.00095; ExAC 0.00139; ESP Exome Variant Server 0.00241; gnomAD 0.00410 and 0.00443; 1000 Genomes Project 0.00459; TOPMed 0.00459; 1000 Genomes Project 30x 0.00578.
gnomAD v4.1: 1,337 of 1,551,440 alleles (0.086%); highest among the groups gnomAD compares: African/African-American, 1.5%; 8 homozygotes.

Submissions (10):

Labcorp Genetics (formerly Invitae), Labcorp
Classification: Benign. Last evaluated: 2026-02-01. Review status: criteria provided, single submitter. Criteria: Invitae Variant Classification Sherloc (09022015). Collection method: clinical testing. Allele origin: germline.

CeGaT Center for Human Genetics Tuebingen
Classification: Benign. Last evaluated: 2025-07-01. Review status: criteria provided, single submitter. Criteria: CeGaT Center For Human Genetics Tuebingen Variant Classification Criteria Version 2. Collection method: clinical testing. Allele origin: germline. Affected: yes. Observed: 2 variant alleles.
Comment: EYS: BP4, BS1, BS2

Blueprint Genetics
Classification: Likely benign. Last evaluated: 2024-11-25. Review status: criteria provided, single submitter. Criteria: ACMG Guidelines, 2015. Collection method: clinical testing. Allele origin: germline.

Women's Health and Genetics/Laboratory Corporation of America, LabCorp
Classification: Benign. Last evaluated: 2022-03-13. Review status: criteria provided, single submitter. Criteria: LabCorp Variant Classification Summary - May 2015. Collection method: clinical testing. Allele origin: germline.
Comment: Variant summary: EYS c.8429C>T (p.Thr2810Ile) results in a non-conservative amino acid change in the encoded protein sequence. Four of five in-silico tools predict a benign effect of the variant on protein function. The variant allele was found at a frequency of 0.00095 in 157414 control chromosomes, predominantly at a frequency of 0.015 within the African or African-American subpopulation in the gnomAD database. The observed variant frequency within African or African-American control individuals in the gnomAD database is approximately 4.4 fold of the estimated maximal expected allele frequency for a pathogenic variant in EYS causing Retinitis Pigmentosa phenotype (0.0034), strongly suggesting that the variant is a benign polymorphism found primarily in populations of African or African-American origin. Although reported in the literature among EYS variants unlikely to be pathogenic in a cohort of individuals with sporadic or autosomal recessive Retinitis Pigmentosa (example, Audo_2010), to our knowledge, no penetrant association of c.8429C>T in individuals affected with Retinitis Pigmentosa and no experimental evidence demonstrating its impact on protein function have been reported. Six clinical diagnostic laboratories have submitted clinical-significance assessments for this variant to ClinVar after 2014 without evidence for independent evaluation and a predominant consensus as benign/likely benign. Based on the evidence outlined above, the variant was classified as benign.

GeneDx
Classification: Benign. Last evaluated: 2020-04-08. Review status: criteria provided, single submitter. Criteria: GeneDx Variant Classification Process June 2021. Collection method: clinical testing. Allele origin: germline. Affected: yes.
Comment: This variant is associated with the following publications: (PMID: 20537394, 20237254)

Dubai Health Genomic Medicine Center, Dubai Health
Classification: Benign for Retinitis pigmentosa 25. Last evaluated: 2020-01-02. Review status: criteria provided, single submitter. Criteria: ACMG Guidelines, 2015. Collection method: clinical testing. Allele origin: germline. Affected: yes.

Illumina Laboratory Services, Illumina
Classification: Uncertain significance for Retinitis pigmentosa. Last evaluated: 2017-04-28. Review status: criteria provided, single submitter. Criteria: ICSL Variant Classification Criteria 13 December 2019. Collection method: clinical testing. Allele origin: germline.
Comment: This variant was observed as part of a predisposition screen in an ostensibly healthy population. A literature search was performed for the gene, cDNA change, and amino acid change (where applicable). Publications were found based on this search. However, the evidence from the literature, in combination with allele frequency data from public databases where available, was not sufficient to rule this variant in or out of causing disease. Therefore, this variant is classified as a variant of unknown significance.

Eurofins Ntd Llc (ga)
Classification: Benign. Last evaluated: 2016-04-13. Review status: criteria provided, single submitter. Criteria: EGL Classification Definitions 2015. Collection method: clinical testing. Allele origin: germline. Observed: 1 variant allele, 1 heterozygote.

Natera, Inc.
Classification: Likely benign for Retinitis pigmentosa type 25. Last evaluated: 2020-06-17. Review status: no assertion criteria provided. Collection method: clinical testing. Allele origin: germline. Not counted in ClinVar's aggregate classification.

Counsyl
Classification: Likely benign for Retinitis pigmentosa 25. Last evaluated: 2017-03-06. Review status: no assertion criteria provided. Collection method: clinical testing. Allele origin: unknown. Not counted in ClinVar's aggregate classification.

Literature cited by the submitters: PubMed 20333770 (cited by Women's Health and Genetics/Laboratory Corporation of America, LabCorp and Illumina Laboratory Services, Illumina); PubMed 20237254 (cited by Illumina Laboratory Services, Illumina and Counsyl); PubMed 20537394 (cited by Counsyl).

NM_001142800.2(EYS):c.8429C>T (p.Thr2810Ile)

Genes: EYS (EGF-like photoreceptor maintenance factor; minus strand), PHF3 (PHD finger protein 3; plus strand). Cytogenetic location: 6q12.
Variant type: single nucleotide variant.
Coding change: c.8429C>T on transcript NM_001142800.2 (MANE Select); coding-DNA position 8429, C replaced by T.
Protein change: p.Thr2810Ile; replaces threonine 2810 with isoleucine.
Molecular consequence: missense variant. On other transcripts: 3 prime UTR variant (5).
Genome position (GRCh38, 1-based): chr6:63,721,602, G>A on the plus strand (C>T on the coding strand, the complement: EYS is on the minus strand). VCF-style: chr6-63721602-G-A. GRCh37 (hg19) VCF-style: chr6-64431498-G-A.
Other names: c.*7894G>A (NM_001290259.2, NM_001370348.2, NM_001370349.2 and 2 more transcripts); c.8492C>T, p.Thr2831Ile (NM_001292009.2); short protein forms T2810I, T2831I.
Identifiers: ClinVar variation 287296 (VCV000287296.54), dbSNP rs144513453, ClinGen allele CA3876709.